The following is an entry in ClinVar:

ClinVar aggregate classification (germline): Uncertain significance (1 of 4 stars; one submission).

Conditions:
Cohen syndrome (COH1). Also called: PEPPER SYNDROME; Cutis verticis gyrata, retinitis pigmentosa, and sensorineural deafness. Identifiers: Orphanet 193, MedGen C0265223, MONDO:0008999, OMIM 216550.

Submission:

Labcorp Genetics (formerly Invitae), Labcorp
Classification: Uncertain significance for Cohen syndrome. Last evaluated: 2022-05-20. Review status: criteria provided, single submitter. Criteria: Invitae Variant Classification Sherloc (09022015). Collection method: clinical testing. Allele origin: germline.
Comment: This sequence change replaces glycine, which is neutral and non-polar, with alanine, which is neutral and non-polar, at codon 1654 of the VPS13B protein (p.Gly1654Ala). This variant is not present in population databases (gnomAD no frequency). This variant has not been reported in the literature in individuals affected with VPS13B-related conditions. Algorithms developed to predict the effect of missense changes on protein structure and function are either unavailable or do not agree on the potential impact of this missense change (SIFT: "Not Available"; PolyPhen-2: "Probably Damaging"; Align-GVGD: "Not Available"). In summary, the available evidence is currently insufficient to determine the role of this variant in disease. Therefore, it has been classified as a Variant of Uncertain Significance.

NM_152564.5(VPS13B):c.4886G>C (p.Gly1629Ala)

Gene: VPS13B (vacuolar protein sorting 13 homolog B; plus strand). Cytogenetic location: 8q22.2.
Variant type: single nucleotide variant.
Coding change: c.4886G>C on transcript NM_152564.5 (MANE Select); coding-DNA position 4886, G replaced by C.
Protein change: p.Gly1629Ala; replaces glycine 1629 with alanine.
Molecular consequence: missense variant.
Genome position (GRCh38, 1-based): chr8:99,556,590, G>C. VCF-style: chr8-99556590-G-C. GRCh37 (hg19) VCF-style: chr8-100568818-G-C.
Other names: c.4961G>C, p.Gly1654Ala (NM_017890.5); short protein forms G1629A, G1654A.
Identifiers: ClinVar variation 2182497 (VCV002182497.1), dbSNP rs1824579612, ClinGen allele CA371869527.